The following is an entry in ClinVar:

GRCh38/hg38 8q23.1(chr8:105628485-105634938)

Gene: ZFPM2 (zinc finger protein, FOG family member 2; plus strand). Cytogenetic location: 8q23.1.
Variant type: copy number loss.
Identifiers: ClinVar variation 3235947 (VCV003235947.1).

ClinVar aggregate classification (germline): Likely pathogenic (1 of 4 stars; one submission).

Conditions:
Diaphragmatic hernia 3 (DIH3). Identifiers: Orphanet 2140, MedGen C1857781, MONDO:0012431, OMIM 610187.

Submission:

New York Genome Center
Classification: Likely pathogenic for Diaphragmatic hernia 3. Last evaluated: 2022-02-01. Review status: criteria provided, single submitter. Criteria: NYGC Assertion Criteria 2020. Collection method: clinical testing. Allele origin: inherited. Affected: yes. Observed: 1 variant allele. Study: PrenatalSEQ.
Comment: The 6.5kb intragenic deletion encompassing exon-5 (of 8) of the ZFPM2 gene has not been reported in affected individuals in the literature to the best of our knowledge. It is absent from the gnomAD SVs v2.1 database suggesting it is not a common benign variant in populations represented in that database. Removal of exon 5 alters the wild-type translational reading frame and is predicted to cause loss of normal protein function either through protein truncation or nonsense-mediated mRNA decay. ZFPM2 is highly constrained for loss of function variants [probability of being loss-of-function intolerant (pLI) = 1]. Based on the available evidence, the inherited 6.5kb intragenic deletion identified in the ZFPM2 gene is classified as Likely Pathogenic with reduced penetrance.